The following is an entry in ClinVar:

ClinVar aggregate classification (germline): Pathogenic (1 of 4 stars; one submission).

Submission:

GeneDx
Classification: Pathogenic. Last evaluated: 2016-04-06. Review status: criteria provided, single submitter. Criteria: GeneDx Variant Classification (06012015). Collection method: clinical testing. Allele origin: germline. Affected: yes.
Comment: The Q2752X pathogenic variant in the VPS13B gene has not been reported previously as a pathogenic variant nor as a benign variant, to our knowledge. This variant is predicted to cause loss of normal protein function either through protein truncation or nonsense-mediated mRNA decay. The Q2752X variant was not observed in approximately 6,500 individuals of European and African American ancestry in the NHLBI Exome Sequencing Project, indicating it is not a common benign variant in these populations. We interpret Q2752X as a pathogenic variant.

NM_152564.5(VPS13B):c.8179C>T (p.Gln2727Ter)

Gene: VPS13B (vacuolar protein sorting 13 homolog B; plus strand). Cytogenetic location: 8q22.2.
Variant type: single nucleotide variant.
Coding change: c.8179C>T on transcript NM_152564.5 (MANE Select); coding-DNA position 8179, C replaced by T.
Protein change: p.Gln2727Ter; replaces glutamine 2727 with a stop codon.
Molecular consequence: nonsense.
Genome position (GRCh38, 1-based): chr8:99,817,621, C>T. VCF-style: chr8-99817621-C-T. GRCh37 (hg19) VCF-style: chr8-100829849-C-T.
Other names: c.8254C>T, p.Gln2752Ter (NM_017890.5); short protein forms Q2727*, Q2752*.
Identifiers: ClinVar variation 280484 (VCV000280484.2), dbSNP rs886041678, ClinGen allele CA10603013.
Genomic context (GRCh38, chr8:99,817,621, plus strand): 5'-ATCATCTGTAGTTACTTGTCTCAAAGCATAGAACTAAAAGTCGTTCAGCATTACATTGGT[C>T]AAGATGGACAAGCTGTAGTTCGGGAACATTTTGACTGCCTCACAGCCAAACAGAAATTGC-3'